The following is an entry in ClinVar:

NM_001128148.3(TFRC):c.162C>T (p.Ala54=)

Gene: TFRC (transferrin receptor; minus strand). Cytogenetic location: 3q29.
Variant type: single nucleotide variant.
Coding change: c.162C>T on transcript NM_001128148.3 (MANE Select); coding-DNA position 162, C replaced by T.
Protein change: p.Ala54=; no amino-acid change (alanine 54 retained).
Molecular consequence: synonymous variant. On other transcripts: intron variant (2).
Genome position (GRCh38, 1-based): chr3:196,075,235, G>A on the plus strand (C>T on the coding strand, the complement: TFRC is on the minus strand). VCF-style: chr3-196075235-G-A. GRCh37 (hg19) VCF-style: chr3-195802106-G-A.
Other names: c.162C>T, p.Ala54= (NM_003234.4); c.-413+1829C>T (NM_001313966.2); c.-5-1110C>T (NM_001313965.2); c.162C>T (NM_003234.3).
Identifiers: ClinVar variation 1169927 (VCV001169927.33), dbSNP rs41300443, ClinGen allele CA2778385.

ClinVar aggregate classification (germline): Benign/Likely benign. Review status: criteria provided, multiple submitters, no conflicts (2 of 4 stars). 5 submissions from 5 submitters: Benign (3); Likely benign (2). Last evaluated 2026-02-02.

Conditions:
TFRC-related disorder. Also called: TFRC-related condition.

Allele frequency attached by ClinVar (database versions not stated): ESP Exome Variant Server 0.00054; gnomAD 0.00065 and 0.00073; TOPMed 0.00089; gnomAD exomes 0.00115 and 0.00157; ExAC 0.00140; 1000 Genomes Project 30x 0.00265; 1000 Genomes Project 0.00300.
gnomAD v4.1: 1,819 of 1,614,010 alleles (0.11%); highest among the groups gnomAD compares: East Asian, 0.95%; 6 homozygotes.

Submissions (5):

Labcorp Genetics (formerly Invitae), Labcorp
Classification: Benign. Last evaluated: 2026-02-02. Review status: criteria provided, single submitter. Criteria: Invitae Variant Classification Sherloc (09022015). Collection method: clinical testing. Allele origin: germline.

PreventionGenetics, part of Exact Sciences
Classification: Benign for TFRC-related condition. Last evaluated: 2025-03-04. Review status: criteria provided, single submitter. Criteria: ACMG Guidelines, 2015. Collection method: clinical testing. Allele origin: germline.
Comment: This variant is classified as benign based on ACMG/AMP sequence variant interpretation guidelines (Richards et al. 2015 PMID: 25741868, with internal and published modifications).

Blueprint Genetics
Classification: Likely benign. Last evaluated: 2024-10-18. Review status: criteria provided, single submitter. Criteria: ACMG Guidelines, 2015. Collection method: clinical testing. Allele origin: germline.

CeGaT Center for Human Genetics Tuebingen
Classification: Likely benign. Last evaluated: 2023-11-01. Review status: criteria provided, single submitter. Criteria: CeGaT Center For Human Genetics Tuebingen Variant Classification Criteria Version 2. Collection method: clinical testing. Allele origin: germline. Affected: yes. Observed: 1 variant allele.
Comment: TFRC: BP4, BP7, BS1

Breakthrough Genomics
Classification: Benign. Review status: criteria provided, single submitter. Criteria: ACMG Guidelines, 2015. Collection method: not provided. Allele origin: germline. Inheritance: Autosomal recessive inheritance. Affected: yes.